The following is an entry in ClinVar:

ClinVar aggregate classification (germline): Uncertain significance. Review status: criteria provided, multiple submitters, no conflicts (2 of 4 stars). 2 submissions from 2 submitters: Uncertain significance (2). Last evaluated 2025-04-09.

Conditions:
Breast-ovarian cancer, familial, susceptibility to, 4. Identifiers: Orphanet 145, MedGen C3280345, MONDO:0013669, OMIM 614291.

Submissions (2):

Labcorp Genetics (formerly Invitae), Labcorp
Classification: Uncertain significance for Breast-ovarian cancer, familial, susceptibility to, 4. Last evaluated: 2025-04-09. Review status: criteria provided, single submitter. Criteria: Invitae Variant Classification Sherloc (09022015). Collection method: clinical testing. Allele origin: germline.
Comment: This sequence change replaces alanine, which is neutral and non-polar, with serine, which is neutral and polar, at codon 121 of the RAD51D protein (p.Ala121Ser). This variant is not present in population databases (gnomAD no frequency). This variant has not been reported in the literature in individuals affected with RAD51D-related conditions. ClinVar contains an entry for this variant (Variation ID: 3240258). Invitae Evidence Modeling of protein sequence and biophysical properties (such as structural, functional, and spatial information, amino acid conservation, physicochemical variation, residue mobility, and thermodynamic stability) indicates that this missense variant is not expected to disrupt RAD51D protein function with a negative predictive value of 80%. In summary, the available evidence is currently insufficient to determine the role of this variant in disease. Therefore, it has been classified as a Variant of Uncertain Significance.

Baylor Genetics
Classification: Uncertain significance for Breast-ovarian cancer, familial, susceptibility to, 4. Last evaluated: 2023-12-17. Review status: criteria provided, single submitter. Criteria: ACMG Guidelines, 2015. Collection method: clinical testing. Allele origin: unknown.

NM_002878.4(RAD51D):c.361G>T (p.Ala121Ser)

Genes: RAD51L3-RFFL (RAD51L3-RFFL readthrough; minus strand), RAD51D (RAD51 paralog D; minus strand). Cytogenetic location: 17q12.
Variant type: single nucleotide variant.
Coding change: c.361G>T on transcript NM_002878.4 (MANE Select); coding-DNA position 361, G replaced by T.
Protein change: p.Ala121Ser; replaces alanine 121 with serine.
Molecular consequence: missense variant. On other transcripts: non-coding transcript variant (1), intron variant (1).
Genome position (GRCh38, 1-based): chr17:35,107,107, C>A on the plus strand (G>T on the coding strand, the complement: RAD51D is on the minus strand). VCF-style: chr17-35107107-C-A. GRCh37 (hg19) VCF-style: chr17-33434126-C-A.
Other names: c.421G>T, p.Ala141Ser (NM_001142571.2); c.145-626G>T (NM_133629.3); short protein forms A121S, A141S.
Identifiers: ClinVar variation 3240258 (VCV003240258.2), dbSNP rs1555568366.